The following is an entry in ClinVar:

NM_001161352.2(KCNMA1):c.121T>G (p.Ser41Ala)

Gene: KCNMA1 (potassium calcium-activated channel subfamily M alpha 1; minus strand). Cytogenetic location: 10q22.3.
Variant type: single nucleotide variant.
Coding change: c.121T>G on transcript NM_001161352.2 (MANE Select); coding-DNA position 121, T replaced by G.
Protein change: p.Ser41Ala; replaces serine 41 with alanine.
Molecular consequence: missense variant.
Genome position (GRCh38, 1-based): chr10:77,637,522, A>C on the plus strand (T>G on the coding strand, the complement: KCNMA1 is on the minus strand). VCF-style: chr10-77637522-A-C. GRCh37 (hg19) VCF-style: chr10-79397280-A-C.
Other names: c.121T>G, p.Ser41Ala (NM_001014797.3, NM_001161353.2, NM_001271518.2 and 15 more transcripts); short protein forms S41A.
Identifiers: ClinVar variation 4978116 (VCV004978116.1).

ClinVar aggregate classification (germline): Uncertain significance (1 of 4 stars; one submission).

Conditions:
KCNMA1-related disorder. Also called: KCNMA1-related disorders; KCNMA1-related condition.

gnomAD v4.1: 21 of 1,563,996 alleles (0.0013%); highest among the groups gnomAD compares: Non-Finnish European, 0.0017%; no homozygotes.

Submission:

PreventionGenetics, part of Exact Sciences
Classification: Uncertain significance for KCNMA1-related condition. Last evaluated: 2025-10-15. Review status: criteria provided, single submitter. Criteria: ACMG Guidelines, 2015. Collection method: clinical testing. Allele origin: germline.
Comment: The KCNMA1 c.121T>G variant is predicted to result in the amino acid substitution p.Ser41Ala. To our knowledge, this variant has not been reported in the literature or in a large population database (gnomAD), indicating this variant is rare. At this time, the clinical significance of this variant is uncertain due to the absence of conclusive functional and genetic evidence.